The following is an entry in ClinVar:

NM_001267550.2(TTN):c.90616C>T (p.Leu30206Phe)

Genes: TTN (titin; minus strand), TTN-AS1 (TTN antisense RNA 1; plus strand). Cytogenetic location: 2q31.2.
Variant type: single nucleotide variant.
Coding change: c.90616C>T on transcript NM_001267550.2 (MANE Select); coding-DNA position 90616, C replaced by T.
Protein change: p.Leu30206Phe; replaces leucine 30206 with phenylalanine.
Molecular consequence: missense variant.
Genome position (GRCh38, 1-based): chr2:178,552,284, G>A on the plus strand (C>T on the coding strand, the complement: TTN is on the minus strand). VCF-style: chr2-178552284-G-A. GRCh37 (hg19) VCF-style: chr2-179417011-G-A.
Other names: c.63997C>T, p.Leu21333Phe (NM_133437.4); c.85693C>T, p.Leu28565Phe (NM_001256850.1); c.63421C>T, p.Leu21141Phe (NM_003319.4); c.82912C>T, p.Leu27638Phe (NM_133378.4); c.63796C>T, p.Leu21266Phe (NM_133432.3); short protein forms L21141F, L30206F, L21333F, L21266F, L27638F, L28565F.
Identifiers: ClinVar variation 4958009 (VCV004958009.2).

ClinVar aggregate classification (germline): Conflicting classifications of pathogenicity. Review status: criteria provided, conflicting classifications (1 of 4 stars). 2 submissions from 2 submitters: Uncertain significance (1); Likely benign (1). Last evaluated 2025-05-18.

Conditions:
TTN-related disorder. Also called: TTN-related disorders; TTN-related condition; TTN-related disease.

Submissions (2):

PreventionGenetics, part of Exact Sciences
Classification: Uncertain significance for TTN-related condition. Last evaluated: 2025-05-18. Review status: criteria provided, single submitter. Criteria: ACMG Guidelines, 2015. Collection method: clinical testing. Allele origin: germline.
Comment: The TTN c.90616C>T variant is predicted to result in the amino acid substitution p.Leu30206Phe. To our knowledge, this variant has not been reported in the literature or in a large population database (gnomAD), indicating this variant is rare. At this time, the clinical significance of this variant is uncertain due to the absence of conclusive functional and genetic evidence.

Blueprint Genetics
Classification: Likely benign. Last evaluated: 2024-03-01. Review status: criteria provided, single submitter. Criteria: ACMG Guidelines, 2015. Collection method: clinical testing. Allele origin: germline.